The following is an entry in ClinVar:

NM_004006.3(DMD):c.93+5368_93+5372del

Gene: DMD (dystrophin; minus strand). Cytogenetic location: Xp21.1.
Variant type: Microsatellite.
Coding change: c.93+5368_93+5372del on transcript NM_004006.3 (MANE Select); bases 5368 to 5372 of the intron after coding-DNA position 93, 5 bases deleted (TTGAA; older notation c.93+5368_93+5372delTTGAA).
Molecular consequence: intron variant.
Genome position (GRCh38, 1-based): chrX:33,014,767-33,014,771, TTCAA deleted on the plus strand (TTGAA on the coding strand, the reverse complement: DMD is on the minus strand); deleting any 5 consecutive bases within chrX:33,014,767-33,014,780 gives the same sequence; the c. name uses the placement nearest the transcript's 3' end. VCF-style (leftmost placement, unchanged base first): chrX-33014766-TTTCAA-T. GRCh37 (hg19) VCF-style: chrX-33032883-TTTCAA-T.
Other names: c.69+5368_69+5372del (NM_000109.4); c.81+5368_81+5372del (NM_004009.3); c.-277+5368_-277+5372del (NM_004010.3).
Identifiers: ClinVar variation 678520 (VCV000678520.1), dbSNP rs59832515, ClinGen allele CA328596537.

ClinVar aggregate classification (germline): Benign (1 of 4 stars; one submission).

Submission:

GeneDx
Classification: Benign. Last evaluated: 2018-06-16. Review status: criteria provided, single submitter. Criteria: GeneDx Variant Classification (06012015). Collection method: clinical testing. Allele origin: germline. Affected: yes.
Comment: This variant is considered likely benign or benign based on one or more of the following criteria: it is a conservative change, it occurs at a poorly conserved position in the protein, it is predicted to be benign by multiple in silico algorithms, and/or has population frequency not consistent with disease.